The following is an entry in ClinVar:

NM_019597.5(HNRNPH2):c.769T>A (p.Ser257Thr)

Genes: HNRNPH2 (heterogeneous nuclear ribonucleoprotein H2; plus strand), RPL36A-HNRNPH2 (RPL36A-HNRNPH2 readthrough; plus strand). Cytogenetic location: Xq22.1.
Variant type: single nucleotide variant.
Coding change: c.769T>A on transcript NM_019597.5 (MANE Select); coding-DNA position 769, T replaced by A.
Protein change: p.Ser257Thr; replaces serine 257 with threonine.
Molecular consequence: missense variant. On other transcripts: 3 prime UTR variant (2).
Genome position (GRCh38, 1-based): chrX:101,412,757, T>A. VCF-style: chrX-101412757-T-A. GRCh37 (hg19) VCF-style: chrX-100667745-T-A.
Other names: c.*765T>A (NM_001199973.2, NM_001199974.2); c.769T>A, p.Ser257Thr (NM_001032393.3); short protein forms S257T.
Identifiers: ClinVar variation 1049638 (VCV001049638.33), dbSNP rs201300968, ClinGen allele CA10473484.

ClinVar aggregate classification (germline): Likely benign. Review status: criteria provided, single submitter (1 of 4 stars). 3 submissions from 3 submitters: Likely benign (1). 2 of the submissions do not count toward it. Last evaluated 2023-08-01.

Conditions:
HNRNPH2-related disorder. Also called: HNRNPH2-related condition.

Allele frequency attached by ClinVar (database versions not stated): gnomAD 0.00017 and 0.00018; gnomAD exomes 0.00017 and 0.00035; TOPMed 0.00018; ExAC 0.00021.
gnomAD v4.1: 400 of 1,208,274 alleles (0.033%); highest among the groups gnomAD compares: South Asian, 0.053%; no homozygotes.

Submissions (3):

CeGaT Center for Human Genetics Tuebingen
Classification: Likely benign. Last evaluated: 2023-08-01. Review status: criteria provided, single submitter. Criteria: CeGaT Center For Human Genetics Tuebingen Variant Classification Criteria Version 2. Collection method: clinical testing. Allele origin: germline. Affected: yes. Observed: 2 variant alleles.
Comment: HNRNPH2: PP2, BS2

PreventionGenetics, part of Exact Sciences
Classification: Likely benign for HNRNPH2-related condition. Last evaluated: 2023-08-31. Review status: no assertion criteria provided. Collection method: clinical testing. Allele origin: germline. Not counted in ClinVar's aggregate classification.
Comment: This variant is classified as likely benign based on ACMG/AMP sequence variant interpretation guidelines (Richards et al. 2015 PMID: 25741868, with internal and published modifications).

Department of Pathology and Laboratory Medicine, Sinai Health System
Classification: Likely benign. Review status: no assertion criteria provided. Collection method: clinical testing. Allele origin: unknown. Affected: yes. Study: The Canadian Open Genetics Repository (COGR). Not counted in ClinVar's aggregate classification.
Comment: The HNRNPH2 p.Ser257Thr variant was not identified in the literature nor was it identified in ClinVar. The variant was identified in dbSNP (ID: rs201300968) and LOVD 3.0 (classified as likely benign). The variant was identified in control databases in 32 of 205159 chromosomes (11 hemizygous) at a frequency of 0.000156 (Genome Aggregation Database March 6, 2019, v2.1.1). The variant was observed in the following populations: Other in 2 of 5333 chromosomes (freq: 0.000375), European (non-Finnish) in 25 of 92650 chromosomes (freq: 0.00027) and South Asian in 5 of 19080 chromosomes (freq: 0.000262), but was not observed in the African, Latino, Ashkenazi Jewish, East Asian, or European (Finnish) populations. The p.Ser257 residue is conserved in mammals but not in more distantly related organisms however computational analyses (PolyPhen-2, SIFT, AlignGVGD, BLOSUM, MutationTaster) do not suggest a high likelihood of impact to the protein; this information is not predictive enough to rule out pathogenicity. The variant occurs outside of the splicing consensus sequence and two of four in silico or computational prediction software programs (SpliceSiteFinder, MaxEntScan, NNSPLICE, GeneSplicer) predict a greater than 10% difference in splicing; this is not very predictive of pathogenicity. In summary, based on the above information the clinical significance of this variant cannot be determined with certainty at this time although we would lean towards a more benign role for this variant. This variant is classified as likely benign.